The following is an entry in ClinVar:

ClinVar aggregate classification (germline): Uncertain significance (1 of 4 stars; one submission).

Allele frequency attached by ClinVar (database versions not stated): TOPMed below 0.00001; gnomAD 0.00001.
gnomAD v4.1: 1 of 1,611,286 alleles (0.000062%); highest among the groups gnomAD compares: Non-Finnish European, 0.000085%; no homozygotes.

Submission:

Women's Health and Genetics/Laboratory Corporation of America, LabCorp
Classification: Uncertain significance. Last evaluated: 2024-01-15. Review status: criteria provided, single submitter. Criteria: LabCorp Variant Classification Summary - May 2015. Collection method: clinical testing. Allele origin: germline.
Comment: Variant summary: NOVA2 c.1211G>A (p.Ser404Asn) results in a conservative amino acid change in the encoded protein sequence. Five of five in-silico tools predict a benign effect of the variant on protein function. The frequency data for this variant in gnomAD is considered unreliable, as metrics indicate poor data quality at this position. To our knowledge, no occurrence of c.1211G>A in individuals affected with Neurodevelopmental Disorder With Or Without Autistic Features And/or Structural Brain Abnormalities and no experimental evidence demonstrating its impact on protein function have been reported. No submitters have cited clinical-significance assessments for this variant to ClinVar. Based on the evidence outlined above, the variant was classified as uncertain significance.

NM_002516.4(NOVA2):c.1211G>A (p.Ser404Asn)

Gene: NOVA2 (NOVA alternative splicing regulator 2; minus strand). Cytogenetic location: 19q13.32.
Variant type: single nucleotide variant.
Coding change: c.1211G>A on transcript NM_002516.4 (MANE Select); coding-DNA position 1211, G replaced by A.
Protein change: p.Ser404Asn; replaces serine 404 with asparagine.
Molecular consequence: missense variant.
Genome position (GRCh38, 1-based): chr19:45,940,131, C>T on the plus strand (G>A on the coding strand, the complement: NOVA2 is on the minus strand). VCF-style: chr19-45940131-C-T. GRCh37 (hg19) VCF-style: chr19-46443389-C-T.
Other names: short protein forms S404N.
Identifiers: ClinVar variation 3063924 (VCV003063924.1), dbSNP rs1167963033, ClinGen allele CA406431975.